The following is an entry in ClinVar:

NM_001005361.3(DNM2):c.1091G>T (p.Arg364Leu)

Gene: DNM2 (dynamin 2; plus strand). Cytogenetic location: 19p13.2.
Variant type: single nucleotide variant.
Coding change: c.1091G>T on transcript NM_001005361.3 (MANE Select); coding-DNA position 1091, G replaced by T.
Protein change: p.Arg364Leu; replaces arginine 364 with leucine.
Molecular consequence: missense variant.
Genome position (GRCh38, 1-based): chr19:10,793,818, G>T. VCF-style: chr19-10793818-G-T. GRCh37 (hg19) VCF-style: chr19-10904494-G-T.
Other names: c.1091G>T, p.Arg364Leu (NM_001005360.3, NM_001005362.3, NM_001190716.2 and 1 more transcripts); short protein forms R364L.
Identifiers: ClinVar variation 1804621 (VCV001804621.6), dbSNP rs2071835414, ClinGen allele CA404048018.

ClinVar aggregate classification (germline): Conflicting classifications of pathogenicity. Review status: criteria provided, conflicting classifications (1 of 4 stars). 2 submissions from 2 submitters: Likely pathogenic (1); Uncertain significance (1). Last evaluated 2023-05-25.

Conditions:
Charcot-Marie-Tooth disease dominant intermediate B (CMTDIB). Also called: CHARCOT-MARIE-TOOTH NEUROPATHY, DOMINANT INTERMEDIATE B; Charcot-Marie-Tooth disease dominant intermediate 1; CMT DI1; Charcot-Marie-Tooth disease dominant intermediate I. Identifiers: Orphanet 100044, Orphanet 228179, MedGen C1847902, MONDO:0011674, OMIM 606482.

Submissions (2):

Labcorp Genetics (formerly Invitae), Labcorp
Classification: Uncertain significance for Charcot-Marie-Tooth disease dominant intermediate B. Last evaluated: 2023-05-25. Review status: criteria provided, single submitter. Criteria: Invitae Variant Classification Sherloc (09022015). Collection method: clinical testing. Allele origin: germline.
Comment: This sequence change replaces arginine, which is basic and polar, with leucine, which is neutral and non-polar, at codon 364 of the DNM2 protein (p.Arg364Leu). This variant is not present in population databases (gnomAD no frequency). This variant has not been reported in the literature in individuals affected with DNM2-related conditions. This variant disrupts the p.Arg364 amino acid residue in DNM2. Other variant(s) that disrupt this residue have been observed in individuals with DNM2-related conditions (PMID: 29653220, 30208955), which suggests that this may be a clinically significant amino acid residue. In summary, the available evidence is currently insufficient to determine the role of this variant in disease. Therefore, it has been classified as a Variant of Uncertain Significance. ClinVar contains an entry for this variant (Variation ID: 1804621). Advanced modeling of protein sequence and biophysical properties (such as structural, functional, and spatial information, amino acid conservation, physicochemical variation, residue mobility, and thermodynamic stability) has been performed at Invitae for this missense variant, however the output from this modeling did not meet the statistical confidence thresholds required to predict the impact of this variant on DNM2 protein function.

GeneDx
Classification: Likely pathogenic. Last evaluated: 2022-12-07. Review status: criteria provided, single submitter. Criteria: GeneDx Variant Classification Process June 2021. Collection method: clinical testing. Allele origin: germline. Affected: yes.
Comment: Not observed at significant frequency in large population cohorts (gnomAD); Missense variants in this gene are often considered pathogenic (HGMD); In silico analysis supports that this missense variant has a deleterious effect on protein structure/function; Has not been previously published as pathogenic or benign to our knowledge; This variant is associated with the following publications: (PMID: 16227997)

Literature cited by the submitters: PubMed 29653220 (cited by Labcorp Genetics (formerly Invitae), Labcorp); PubMed 30208955 (cited by Labcorp Genetics (formerly Invitae), Labcorp).